The following is an entry in ClinVar:

NM_004612.4(TGFBR1):c.1321A>G (p.Met441Val)

Gene: TGFBR1 (transforming growth factor beta receptor 1; plus strand). Cytogenetic location: 9q22.33.
Variant type: single nucleotide variant.
Coding change: c.1321A>G on transcript NM_004612.4 (MANE Select); coding-DNA position 1321, A replaced by G.
Protein change: p.Met441Val; replaces methionine 441 with valine.
Molecular consequence: missense variant. On other transcripts: non-coding transcript variant (4).
Genome position (GRCh38, 1-based): chr9:99,147,719, A>G. VCF-style: chr9-99147719-A-G. GRCh37 (hg19) VCF-style: chr9-101910001-A-G.
Other names: c.1090A>G, p.Met364Val (NM_001130916.3, NM_001407435.1); c.1333A>G, p.Met445Val (NM_001306210.2); c.1165A>G, p.Met389Val (NM_001407416.1); c.1153A>G, p.Met385Val (NM_001407417.1); c.1126A>G, p.Met376Val (NM_001407418.1, NM_001407419.1, NM_001407420.1 and 1 more transcripts); c.1114A>G, p.Met372Val (NM_001407423.1, NM_001407424.1, NM_001407425.1 and 8 more transcripts); c.1075A>G, p.Met359Val (NM_001407436.1); c.613A>G, p.Met205Val (NM_001407437.1); and 1 more; short protein forms M205V, M282V, M359V, M364V, M372V, M376V, M385V, M389V.
Identifiers: ClinVar variation 3893984 (VCV003893984.1).

ClinVar aggregate classification (germline): Uncertain significance (1 of 4 stars; one submission).

Conditions:
Familial thoracic aortic aneurysm and aortic dissection (TAAD). Also called: Thoracic aortic aneurysms and dissections. Identifiers: Orphanet 91387, MedGen C4707243, MONDO:0019625.

gnomAD v4.1: 4 of 1,613,848 alleles (0.00025%); highest among the groups gnomAD compares: Non-Finnish European, 0.00034%; no homozygotes.

Submission:

Color Diagnostics, LLC DBA Color Health
Classification: Uncertain significance for Familial thoracic aortic aneurysm and aortic dissection. Last evaluated: 2024-06-24. Review status: criteria provided, single submitter. Criteria: ACMG Guidelines, 2015. Collection method: clinical testing. Allele origin: germline.
Comment: This missense variant replaces methionine with valine at codon 441 of the TGFBR1 protein. Computational prediction is inconclusive regarding the impact of this variant on protein structure and function (internally defined REVEL score threshold 0.5 < inconclusive < 0.7, PMID: 27666373). To our knowledge, functional studies have not been reported for this variant. This variant has not been reported in individuals affected with TGFBR1-related disorders in the literature. This variant has not been identified in the general population by the Genome Aggregation Database (gnomAD). The available evidence is insufficient to determine the role of this variant in disease conclusively. Therefore, this variant is classified as a Variant of Uncertain Significance.